The following is an entry in ClinVar:

NM_000059.4(BRCA2):c.3799_3801del (p.Asp1267del)

Gene: BRCA2 (BRCA2 DNA repair associated; plus strand). Cytogenetic location: 13q13.1.
Variant type: Deletion.
Coding change: c.3799_3801del on transcript NM_000059.4 (MANE Select); coding-DNA positions 3799 to 3801, 3 bases deleted (GAT; older notation c.3799_3801delGAT).
Protein change: p.Asp1267del; deletes aspartic acid 1267.
Molecular consequence: inframe deletion. On other transcripts: inframe indel (2).
Genome position (GRCh38, 1-based): chr13:32,338,154-32,338,156, GAT deleted; deleting any 3 consecutive bases within chr13:32,338,152-32,338,156 gives the same sequence; the c. name uses the placement nearest the transcript's 3' end. VCF-style (leftmost placement, unchanged base first): chr13-32338151-CATG-C. GRCh37 (hg19) VCF-style: chr13-32912288-CATG-C.
Other names: c.3799_3801delGAT, p.Asp1267del (NM_001406719.1, NM_001406720.1); short protein forms D1267del.
Identifiers: ClinVar variation 1735004 (VCV001735004.2), dbSNP rs2548526921, ClinGen allele CA2580087227.

ClinVar aggregate classification (germline): Uncertain significance (1 of 4 stars; one submission).

Conditions:
Hereditary cancer-predisposing syndrome. Also called: Neoplastic Syndromes, Hereditary; Tumor predisposition; Hereditary Cancer Syndrome; Hereditary neoplastic syndrome. Identifiers: Orphanet 140162, MedGen C0027672, MeSH D009386, MONDO:0015356.

Submission:

Ambry Genetics
Classification: Uncertain significance for Hereditary cancer-predisposing syndrome. Last evaluated: 2020-07-08. Review status: criteria provided, single submitter. Criteria: Ambry Variant Classification Scheme 2023. Collection method: clinical testing. Allele origin: germline.
Comment: The c.3799_3801delGAT variant (also known as p.D1267del) is located in coding exon 10 of the BRCA2 gene. This variant results from an in-frame GAT deletion at nucleotide positions 3799 to 3801. This results in the in-frame deletion of an aspartic acid at codon 1267. This amino acid position is not well conserved in available vertebrate species. In addition, this alteration is predicted to be deleterious by in silico analysis (Choi Y et al. PLoS ONE. 2012; 7(10):e46688). Since supporting evidence is limited at this time, the clinical significance of this alteration remains unclear.